The following is an entry in ClinVar:

NM_005097.4(LGI1):c.368A>T (p.Glu123Val)

Gene: LGI1 (leucine rich glioma inactivated 1; plus strand). Cytogenetic location: 10q23.33.
Variant type: single nucleotide variant.
Coding change: c.368A>T on transcript NM_005097.4 (MANE Select); coding-DNA position 368, A replaced by T.
Protein change: p.Glu123Val; replaces glutamic acid 123 with valine.
Molecular consequence: missense variant. On other transcripts: intron variant (1).
Genome position (GRCh38, 1-based): chr10:93,777,554, A>T. VCF-style: chr10-93777554-A-T. GRCh37 (hg19) VCF-style: chr10-95537311-A-T.
Other names: c.368A>T, p.Glu123Val (NM_001308275.2); c.288-12545A>T (NM_001308276.2); short protein forms E123V.
Identifiers: ClinVar variation 4739163 (VCV004739163.1).

ClinVar aggregate classification (germline): Uncertain significance (1 of 4 stars; one submission).

Conditions:
Autosomal dominant epilepsy with auditory features. Identifiers: Orphanet 101046, MedGen C1838062, MONDO:0010898.

Submission:

Labcorp Genetics (formerly Invitae), Labcorp
Classification: Uncertain significance for Autosomal dominant epilepsy with auditory features. Last evaluated: 2025-07-09. Review status: criteria provided, single submitter. Criteria: Invitae Variant Classification Sherloc (09022015). Collection method: clinical testing. Allele origin: germline.
Comment: This sequence change replaces glutamic acid, which is acidic and polar, with valine, which is neutral and non-polar, at codon 123 of the LGI1 protein (p.Glu123Val). This variant is not present in population databases (gnomAD no frequency). This variant has not been reported in the literature in individuals affected with LGI1-related conditions. Invitae Evidence Modeling of protein sequence and biophysical properties (such as structural, functional, and spatial information, amino acid conservation, physicochemical variation, residue mobility, and thermodynamic stability) indicates that this missense variant is not expected to disrupt LGI1 protein function with a negative predictive value of 80%. In summary, the available evidence is currently insufficient to determine the role of this variant in disease. Therefore, it has been classified as a Variant of Uncertain Significance.